The following is an entry in ClinVar:

ClinVar aggregate classification (germline): Uncertain significance (1 of 4 stars; one submission).

gnomAD v4.1: 2 of 1,614,164 alleles (0.00012%); highest among the groups gnomAD compares: Admixed American, 0.0033%; no homozygotes.

Submission:

GeneDx
Classification: Uncertain significance. Last evaluated: 2024-01-04. Review status: criteria provided, single submitter. Criteria: GeneDx Variant Classification Process June 2021. Collection method: clinical testing. Allele origin: germline. Affected: yes.
Comment: Not observed at significant frequency in large population cohorts (gnomAD); In silico analysis supports that this missense variant has a deleterious effect on protein structure/function; Has not been previously published as pathogenic or benign to our knowledge; This variant is associated with the following publications: (PMID: 24863639)

NM_014874.4(MFN2):c.431C>T (p.Ala144Val)

Gene: MFN2 (mitofusin 2; plus strand). Cytogenetic location: 1p36.22.
Variant type: single nucleotide variant.
Coding change: c.431C>T on transcript NM_014874.4 (MANE Select); coding-DNA position 431, C replaced by T.
Protein change: p.Ala144Val; replaces alanine 144 with valine.
Molecular consequence: missense variant.
Genome position (GRCh38, 1-based): chr1:11,996,275, C>T. VCF-style: chr1-11996275-C-T. GRCh37 (hg19) VCF-style: chr1-12056332-C-T.
Other names: c.431C>T, p.Ala144Val (NM_001127660.2); short protein forms A144V.
Identifiers: ClinVar variation 3367503 (VCV003367503.1).